The following is an entry in ClinVar:

NM_003873.7(NRP1):c.1154C>G (p.Thr385Ser)

Gene: NRP1 (neuropilin 1; minus strand). Cytogenetic location: 10p11.22.
Variant type: single nucleotide variant.
Coding change: c.1154C>G on transcript NM_003873.7 (MANE Select); coding-DNA position 1154, C replaced by G.
Protein change: p.Thr385Ser; replaces threonine 385 with serine.
Molecular consequence: missense variant. On other transcripts: non-coding transcript variant (1).
Genome position (GRCh38, 1-based): chr10:33,221,847, G>C on the plus strand (C>G on the coding strand, the complement: NRP1 is on the minus strand). VCF-style: chr10-33221847-G-C. GRCh37 (hg19) VCF-style: chr10-33510775-G-C.
Other names: c.1154C>G, p.Thr385Ser (NM_001024628.3, NM_001024629.3, NM_001244972.2 and 2 more transcripts); short protein forms T385S.
Identifiers: ClinVar variation 4993371 (VCV004993371.1).
Genomic context (GRCh38, chr10:33,221,847, plus strand): 5'-CGGACAAATCGAGTTATCAGTGGTTTGGGGAATACTGCAACCACAACATCTGTGGGGTTG[G>C]TGTTTCCCTGAAAGAGCTGTATGGGGAAAAAAAGTGCCTTTCTTTAGCAGAGGTTTTGGA-3'
Protein context (NP_003864.5, residues 375-395): GNKPVLFQGN[Thr385Ser]NPTDVVVAVF

ClinVar aggregate classification (germline): Uncertain significance (1 of 4 stars; one submission).

Conditions:
NRP1-related disorder. Also called: NRP1-related condition.

Submission:

PreventionGenetics, part of Exact Sciences
Classification: Uncertain significance for NRP1-related condition. Last evaluated: 2026-02-25. Review status: criteria provided, single submitter. Criteria: ACMG Guidelines, 2015. Collection method: clinical testing. Allele origin: germline.
Comment: The NRP1 c.1154C>G variant is predicted to result in the amino acid substitution p.Thr385Ser. To our knowledge, this variant has not been reported in the literature or in a large population database (gnomAD), indicating this variant is rare. At this time, the clinical significance of this variant is uncertain due to the absence of conclusive functional and genetic evidence.